The following is an entry in ClinVar:

NM_002474.3(MYH11):c.3845T>C (p.Val1282Ala)

Gene: MYH11 (myosin heavy chain 11; minus strand). Cytogenetic location: 16p13.11.
Variant type: single nucleotide variant.
Coding change: c.3845T>C on transcript NM_002474.3 (MANE Select); coding-DNA position 3845, T replaced by C.
Protein change: p.Val1282Ala; replaces valine 1282 with alanine.
Molecular consequence: missense variant.
Genome position (GRCh38, 1-based): chr16:15,726,861, A>G on the plus strand (T>C on the coding strand, the complement: MYH11 is on the minus strand). VCF-style: chr16-15726861-A-G. GRCh37 (hg19) VCF-style: chr16-15820718-A-G.
Other names: c.3866T>C, p.Val1289Ala (NM_001040113.2, NM_001040114.2); c.3845T>C, p.Val1282Ala (NM_022844.3); short protein forms V1282A, V1289A.
Identifiers: ClinVar variation 519944 (VCV000519944.5), dbSNP rs1555554044, ClinGen allele CA394859949.

ClinVar aggregate classification (germline): Uncertain significance (1 of 4 stars; one submission).

Conditions:
Familial thoracic aortic aneurysm and aortic dissection (TAAD). Also called: Thoracic aortic aneurysms and dissections. Identifiers: Orphanet 91387, MedGen C4707243, MONDO:0019625.

Submission:

Ambry Genetics
Classification: Uncertain significance for Familial thoracic aortic aneurysm and aortic dissection. Last evaluated: 2016-12-01. Review status: criteria provided, single submitter. Criteria: Ambry Variant Classification Scheme 2023. Collection method: clinical testing. Allele origin: germline.
Comment: The p.V1282A variant (also known as c.3845T>C), located in coding exon 27 of the MYH11 gene, results from a T to C substitution at nucleotide position 3845. The valine at codon 1282 is replaced by alanine, an amino acid with similar properties. This amino acid position is not well conserved in available vertebrate species, and alanine is the reference amino acid in other vertebrate species. In addition, this alteration is predicted to be tolerated by in silico analysis. Since supporting evidence is limited at this time, the clinical significance of this alteration remains unclear.